The following is an entry in ClinVar:

ClinVar aggregate classification (germline): Uncertain significance (1 of 4 stars; one submission).

Submission:

Labcorp Genetics (formerly Invitae), Labcorp
Classification: Uncertain significance. Last evaluated: 2022-02-24. Review status: criteria provided, single submitter. Criteria: Invitae Variant Classification Sherloc (09022015). Collection method: clinical testing. Allele origin: germline.
Comment: In summary, the available evidence is currently insufficient to determine the role of this variant in disease. Therefore, it has been classified as a Variant of Uncertain Significance. This sequence change replaces glutamine, which is neutral and polar, with glutamic acid, which is acidic and polar, at codon 79 of the BBIP1 protein (p.Gln79Glu). This variant is not present in population databases (gnomAD no frequency). This variant has not been reported in the literature in individuals affected with BBIP1-related conditions. Algorithms developed to predict the effect of missense changes on protein structure and function (SIFT, PolyPhen-2, Align-GVGD) all suggest that this variant is likely to be tolerated.

NM_001195305.3(BBIP1):c.235C>G (p.Gln79Glu)

Gene: BBIP1 (BBSome interacting protein 1; minus strand). Cytogenetic location: 10q25.2.
Variant type: single nucleotide variant.
Coding change: c.235C>G on transcript NM_001195305.3 (MANE Select); coding-DNA position 235, C replaced by G.
Protein change: p.Gln79Glu; replaces glutamine 79 with glutamic acid.
Molecular consequence: missense variant. On other transcripts: 3 prime UTR variant (1).
Genome position (GRCh38, 1-based): chr10:110,900,404, G>C on the plus strand (C>G on the coding strand, the complement: BBIP1 is on the minus strand). VCF-style: chr10-110900404-G-C. GRCh37 (hg19) VCF-style: chr10-112660162-G-C.
Other names: c.*80C>G (NM_001195304.2); c.235C>G, p.Gln79Glu (NM_001195306.2); c.160C>G, p.Gln54Glu (NM_001195307.2); c.169C>G, p.Gln57Glu (NM_001243783.3); short protein forms Q79E, Q54E, Q57E.
Identifiers: ClinVar variation 1378460 (VCV001378460.6), dbSNP rs2134015633, ClinGen allele CA378388673.